The following is an entry in ClinVar:

NM_005045.4(RELN):c.-24GGC[5]

Gene: RELN (reelin; minus strand). Cytogenetic location: 7q22.1.
Variant type: Microsatellite.
Coding change: c.-24GGC[5] on transcript NM_005045.4 (MANE Select); five copies in a row of the 3-base unit GGC starting at c.-24; the reference has eight copies in a row; three copies, 9 bases deleted.
Molecular consequence: 5 prime UTR variant.
Genome position (GRCh38, 1-based): chr7:103,989,357-103,989,365, GCCGCCGCC deleted on the plus strand (GGCGGCGGC on the coding strand, the reverse complement: RELN is on the minus strand); deleting any 9 consecutive bases within chr7:103,989,357-103,989,382 gives the same sequence; the position shown is the placement nearest the transcript's 3' end. VCF-style (leftmost placement, unchanged base first): chr7-103989356-TGCCGCCGCC-T. GRCh37 (hg19) VCF-style: chr7-103629803-TGCCGCCGCC-T.
Other names: c.-24GGC[5] (NM_173054.3).
Identifiers: ClinVar variation 4821020 (VCV004821020.5).

ClinVar aggregate classification (germline): Likely benign. Review status: criteria provided, multiple submitters, no conflicts (2 of 4 stars). 2 submissions from 2 submitters: Likely benign (2). Last evaluated 2026-09-01.

Submissions (2):

CeGaT Center for Human Genetics Tuebingen
Classification: Likely benign. Last evaluated: 2026-09-01. Review status: criteria provided, single submitter. Criteria: CeGaT Center For Human Genetics Tuebingen Variant Classification Criteria Version 2. Collection method: clinical testing. Allele origin: germline. Affected: yes. Observed: 3 variant alleles.
Comment: RELN: BP4, BS2

Blueprint Genetics
Classification: Likely benign. Last evaluated: 2024-08-23. Review status: criteria provided, single submitter. Criteria: ACMG Guidelines, 2015. Collection method: clinical testing. Allele origin: germline.